The following is an entry in ClinVar:

ClinVar aggregate classification (germline): Uncertain significance (1 of 4 stars; one submission).

Conditions:
Ataxia-telangiectasia syndrome (AT). Also called: LOUIS-BAR SYNDROME; Cerebello-oculocutaneous telangiectasia; Immunodeficiency with ataxia telangiectasia; Ataxia-telangiectasia, complementation group D; AT, COMPLEMENTATION GROUP C; ATAXIA-TELANGIECTASIA, COMPLEMENTATION GROUP A. Identifiers: Orphanet 100, MedGen C0004135, MONDO:0008840, OMIM 208900.

Submission:

Labcorp Genetics (formerly Invitae), Labcorp
Classification: Uncertain significance for Ataxia-telangiectasia syndrome. Last evaluated: 2025-11-17. Review status: criteria provided, single submitter. Criteria: Invitae Variant Classification Sherloc (09022015). Collection method: clinical testing. Allele origin: germline.
Comment: This sequence change replaces glutamic acid, which is acidic and polar, with lysine, which is basic and polar, at codon 2570 of the ATM protein (p.Glu2570Lys). This variant is not present in population databases (gnomAD no frequency). This variant has not been reported in the literature in individuals affected with ATM-related conditions. Invitae Evidence Modeling of protein sequence and biophysical properties (such as structural, functional, and spatial information, amino acid conservation, physicochemical variation, residue mobility, and thermodynamic stability) indicates that this missense variant is not expected to disrupt ATM protein function with a negative predictive value of 95%. Algorithms developed to predict the effect of sequence changes on RNA splicing suggest that this variant may disrupt the consensus splice site. In summary, the available evidence is currently insufficient to determine the role of this variant in disease. Therefore, it has been classified as a Variant of Uncertain Significance.

NM_000051.4(ATM):c.7708G>A (p.Glu2570Lys)

Genes: ATM (ATM serine/threonine kinase; plus strand), C11orf65 (chromosome 11 open reading frame 65; minus strand). Cytogenetic location: 11q22.3.
Variant type: single nucleotide variant.
Coding change: c.7708G>A on transcript NM_000051.4 (MANE Select); coding-DNA position 7708, G replaced by A.
Protein change: p.Glu2570Lys; replaces glutamic acid 2570 with lysine.
Molecular consequence: missense variant. On other transcripts: intron variant (2).
Genome position (GRCh38, 1-based): chr11:108,331,957, G>A. VCF-style: chr11-108331957-G-A. GRCh37 (hg19) VCF-style: chr11-108202684-G-A.
Other names: c.7708G>A, p.Glu2570Lys (NM_001351834.2); c.641-22886C>T (NM_001330368.2); c.*38+3263C>T (NM_001351110.2); short protein forms E2570K.
Identifiers: ClinVar variation 4747262 (VCV004747262.1).